The following is an entry in ClinVar:

NM_001367624.2(ZNF469):c.4186G>A (p.Glu1396Lys)

Gene: ZNF469 (zinc finger protein 469; plus strand). Cytogenetic location: 16q24.2.
Variant type: single nucleotide variant.
Coding change: c.4186G>A on transcript NM_001367624.2 (MANE Select); coding-DNA position 4186, G replaced by A.
Protein change: p.Glu1396Lys; replaces glutamic acid 1396 with lysine.
Molecular consequence: missense variant.
Genome position (GRCh38, 1-based): chr16:88,431,656, G>A. VCF-style: chr16-88431656-G-A. GRCh37 (hg19) VCF-style: chr16-88498064-G-A.
Other names: short protein forms E1396K.
Identifiers: ClinVar variation 2985422 (VCV002985422.2), dbSNP rs1237381458, ClinGen allele CA397090028.

ClinVar aggregate classification (germline): Uncertain significance (1 of 4 stars; one submission).

Allele frequency attached by ClinVar (database versions not stated): gnomAD exomes below 0.00001; TOPMed 0.00001.
gnomAD v4.1: 2 of 1,550,340 alleles (0.00013%); highest among the groups gnomAD compares: Admixed American, 0.002%; no homozygotes.

Submission:

Labcorp Genetics (formerly Invitae), Labcorp
Classification: Uncertain significance. Last evaluated: 2023-12-22. Review status: criteria provided, single submitter. Criteria: Invitae Variant Classification Sherloc (09022015). Collection method: clinical testing. Allele origin: germline.
Comment: This sequence change replaces glutamic acid, which is acidic and polar, with lysine, which is basic and polar, at codon 1368 of the ZNF469 protein (p.Glu1368Lys). This variant is not present in population databases (gnomAD no frequency). This variant has not been reported in the literature in individuals affected with ZNF469-related conditions. Algorithms developed to predict the effect of missense changes on protein structure and function output the following: SIFT: "Not Available"; PolyPhen-2: "Benign"; Align-GVGD: "Not Available". The lysine amino acid residue is found in multiple mammalian species, which suggests that this missense change does not adversely affect protein function. In summary, the available evidence is currently insufficient to determine the role of this variant in disease. Therefore, it has been classified as a Variant of Uncertain Significance.